The following is an entry in ClinVar:

NM_032776.3(JMJD1C):c.1471A>G (p.Met491Val)

Gene: JMJD1C (jumonji domain containing 1C; minus strand). Cytogenetic location: 10q21.3.
Variant type: single nucleotide variant.
Coding change: c.1471A>G on transcript NM_032776.3 (MANE Select); coding-DNA position 1471, A replaced by G.
Protein change: p.Met491Val; replaces methionine 491 with valine.
Molecular consequence: missense variant. On other transcripts: non-coding transcript variant (1).
Genome position (GRCh38, 1-based): chr10:63,214,696, T>C on the plus strand (A>G on the coding strand, the complement: JMJD1C is on the minus strand). VCF-style: chr10-63214696-T-C. GRCh37 (hg19) VCF-style: chr10-64974456-T-C.
Other names: c.925A>G, p.Met309Val (NM_001282948.2, NM_001318154.2); c.607A>G, p.Met203Val (NM_001318153.2); c.1357A>G, p.Met453Val (NM_001322252.2); c.814A>G, p.Met272Val (NM_001322254.2, NM_001322258.2); short protein forms M453V, M203V, M272V, M309V, M491V.
Identifiers: ClinVar variation 1390783 (VCV001390783.6), dbSNP rs1847776331, ClinGen allele CA377049282.

ClinVar aggregate classification (germline): Uncertain significance (1 of 4 stars; one submission).

Conditions:
Early Myoclonic Encephalopathy. Identifiers: MedGen C0270855.

Allele frequency attached by ClinVar (database versions not stated): TOPMed 0.00001.

Submission:

Labcorp Genetics (formerly Invitae), Labcorp
Classification: Uncertain significance for Early Myoclonic Encephalopathy. Last evaluated: 2021-08-26. Review status: criteria provided, single submitter. Criteria: Invitae Variant Classification Sherloc (09022015). Collection method: clinical testing. Allele origin: germline.
Comment: In summary, the available evidence is currently insufficient to determine the role of this variant in disease. Therefore, it has been classified as a Variant of Uncertain Significance. Algorithms developed to predict the effect of missense changes on protein structure and function output the following: SIFT: "Tolerated"; PolyPhen-2: "Benign"; Align-GVGD: "Class C0". The valine amino acid residue is found in multiple mammalian species, which suggests that this missense change does not adversely affect protein function. This variant has not been reported in the literature in individuals affected with JMJD1C-related conditions. This variant is not present in population databases (ExAC no frequency). This sequence change replaces methionine with valine at codon 491 of the JMJD1C protein (p.Met491Val). The methionine residue is weakly conserved and there is a small physicochemical difference between methionine and valine.